The following is an entry in ClinVar:

ClinVar aggregate classification (germline): Uncertain significance. Review status: criteria provided, multiple submitters, no conflicts (2 of 4 stars). 2 submissions from 2 submitters: Uncertain significance (2). Last evaluated 2025-02-27.

Conditions:
PCNT-related disorder. Also called: PCNT-related condition.

gnomAD v4.1: 24 of 1,614,126 alleles (0.0015%); highest among the groups gnomAD compares: Non-Finnish European, 0.0017%; no homozygotes.

Submissions (2):

PreventionGenetics, part of Exact Sciences
Classification: Uncertain significance for PCNT-related condition. Last evaluated: 2025-02-27. Review status: criteria provided, single submitter. Criteria: ACMG Guidelines, 2015. Collection method: clinical testing. Allele origin: germline.
Comment: The PCNT c.3740A>T variant is predicted to result in the amino acid substitution p.Glu1247Val. To our knowledge, this variant has not been reported in the literature. This variant is reported in 0.00088% of alleles in individuals of European (Non-Finnish) descent in gnomAD. At this time, the clinical significance of this variant is uncertain due to the absence of conclusive functional and genetic evidence.

Blueprint Genetics
Classification: Uncertain significance. Last evaluated: 2024-04-30. Review status: criteria provided, single submitter. Criteria: ACMG Guidelines, 2015. Collection method: clinical testing. Allele origin: germline.

NM_006031.6(PCNT):c.3740A>T (p.Glu1247Val)

Gene: PCNT (pericentrin; plus strand). Cytogenetic location: 21q22.3.
Variant type: single nucleotide variant.
Coding change: c.3740A>T on transcript NM_006031.6 (MANE Select); coding-DNA position 3740, A replaced by T.
Protein change: p.Glu1247Val; replaces glutamic acid 1247 with valine.
Molecular consequence: missense variant.
Genome position (GRCh38, 1-based): chr21:46,389,331, A>T. VCF-style: chr21-46389331-A-T. GRCh37 (hg19) VCF-style: chr21-47809246-A-T.
Other names: c.3386A>T, p.Glu1129Val (NM_001315529.2); c.3740A>T (NM_006031.5); short protein forms E1129V, E1247V.
Identifiers: ClinVar variation 4946763 (VCV004946763.2).
Genomic context (GRCh38, chr21:46,389,331, plus strand): 5'-AGATGTCTTCCGTGGCTGAAATTAGCAGCCACATGCGTGAAAGCTTTCTCATGAGCCCAG[A>T]AAGTGTGCGGGAGTGTGAGCAGCCCATCCGGAGGGTCTTCCAGAGCCTCAGCCTGGCCGT-3'
Protein context (NP_006022.3, residues 1237-1257): HMRESFLMSP[Glu1247Val]SVRECEQPIR